The following is an entry in ClinVar:

NM_001378328.1(CELSR1):c.928G>A (p.Val310Ile)

Gene: CELSR1 (cadherin EGF LAG seven-pass G-type receptor 1; minus strand). Cytogenetic location: 22q13.31.
Variant type: single nucleotide variant.
Coding change: c.928G>A on transcript NM_001378328.1 (MANE Select); coding-DNA position 928, G replaced by A.
Protein change: p.Val310Ile; replaces valine 310 with isoleucine.
Molecular consequence: missense variant.
Genome position (GRCh38, 1-based): chr22:46,536,243, C>T on the plus strand (G>A on the coding strand, the complement: CELSR1 is on the minus strand). VCF-style: chr22-46536243-C-T. GRCh37 (hg19) VCF-style: chr22-46932140-C-T.
Other names: c.928G>A, p.Val310Ile (NM_014246.4); short protein forms V310I.
Identifiers: ClinVar variation 2653345 (VCV002653345.24), dbSNP rs150808525, ClinGen allele CA10295601.

ClinVar aggregate classification (germline): Likely benign (1 of 4 stars; one submission).

Allele frequency attached by ClinVar (database versions not stated): ESP Exome Variant Server 0.00008; TOPMed 0.00009; gnomAD 0.00019; gnomAD exomes 0.00029; ExAC 0.00082; 1000 Genomes Project 30x 0.00234; 1000 Genomes Project 0.00240.

Submission:

CeGaT Center for Human Genetics Tuebingen
Classification: Likely benign. Last evaluated: 2023-03-01. Review status: criteria provided, single submitter. Criteria: CeGaT Center For Human Genetics Tuebingen Variant Classification Criteria Version 2. Collection method: clinical testing. Allele origin: germline. Affected: yes. Observed: 1 variant allele.
Comment: CELSR1: BP4, BS2